The following is an entry in ClinVar:

ClinVar aggregate classification (germline): Likely pathogenic (1 of 4 stars; one submission).

Conditions:
Branchiootic syndrome 3 (BOS3). Also called: BO SYNDROME 3. Identifiers: MedGen C1842124, MONDO:0012025, OMIM 608389.
Autosomal dominant nonsyndromic hearing loss 23. Identifiers: Orphanet 90635, MedGen C1854594, MONDO:0011519, OMIM 605192.

Submission:

New York Genome Center
Classification: Likely pathogenic for Branchiootic syndrome 3; Autosomal dominant nonsyndromic hearing loss 23. Last evaluated: 2023-11-16. Review status: criteria provided, single submitter. Criteria: NYGC Assertion Criteria 2020. Collection method: clinical testing. Allele origin: inherited. Observed: 1 variant allele, 1 heterozygote.
Comment: The inherited c.366G>A variant identified in the SIX1 gene has not previously been reported in the literature nor deposited in ClinVar. It is absent from gnomAD v4.0.0 and is observed in one allele (MAF 0.0003778%) in the TOPMed Freeze 8 database, suggesting it is not a common benign variant in the populations represented in those databases. The c.366G>A variant is located in exon 1 of this 2-exon gene, and is predicted to incorporate a premature termination codon (p.(Trp122Ter)), which is expected to result in loss-of-function through nonsense-mediated mRNA decay or premature termination of the protein at amino acid 122/285. Based on available evidence, the inherited heterozygous c.366G>A p.(Trp122Ter) variant identified in the SIX1 gene is classified as Likely Pathogenic.

NM_005982.4(SIX1):c.366G>A (p.Trp122Ter)

Gene: SIX1 (SIX homeobox 1; minus strand). Cytogenetic location: 14q23.1.
Variant type: single nucleotide variant.
Coding change: c.366G>A on transcript NM_005982.4 (MANE Select); coding-DNA position 366, G replaced by A.
Protein change: p.Trp122Ter; replaces tryptophan 122 with a stop codon.
Molecular consequence: nonsense.
Genome position (GRCh38, 1-based): chr14:60,648,824, C>T on the plus strand (G>A on the coding strand, the complement: SIX1 is on the minus strand). VCF-style: chr14-60648824-C-T. GRCh37 (hg19) VCF-style: chr14-61115542-C-T.
Other names: c.366G>A, p.Trp122Ter (NM_001425142.1); c.366G>A (NM_005982.3); short protein forms W122*.
Identifiers: ClinVar variation 4888410 (VCV004888410.1).